The following is an entry in ClinVar:

ClinVar aggregate classification (germline): Conflicting classifications of pathogenicity. Review status: criteria provided, conflicting classifications (1 of 4 stars). 3 submissions from 3 submitters: Uncertain significance (1); Likely benign (1). 1 of the submissions does not count toward it. Last evaluated 2025-04-23.

Conditions:
CFTR-related disorder (CFTR-RD). Also called: CFTR-related condition; CFTR-related disorders. Identifiers: MedGen C5924204, MONDO:7770004.
Cystic fibrosis (CF). Also called: MUCOVISCIDOSIS. Identifiers: Orphanet 586, MedGen C0010674, MONDO:0009061, OMIM 219700. Disease mechanism: loss of function.

Submissions (3):

Ambry Genetics
Classification: Uncertain significance for Cystic fibrosis. Last evaluated: 2025-04-23. Review status: criteria provided, single submitter. Criteria: Ambry Variant Classification Scheme 2023. Collection method: clinical testing. Allele origin: germline.
Comment: The c.1452C>T variant (also known as p.H484H), located in coding exon 11 of the CFTR gene, results from a C to T substitution at nucleotide position 1452. This nucleotide substitution does not change the amino acid at codon 484. This nucleotide position is well conserved in available vertebrate species. In silico splice site analysis for this alteration is inconclusive. Based on the available evidence, the clinical significance of this variant remains unclear.

Labcorp Genetics (formerly Invitae), Labcorp
Classification: Likely benign for Cystic fibrosis. Last evaluated: 2022-08-07. Review status: criteria provided, single submitter. Criteria: Invitae Variant Classification Sherloc (09022015). Collection method: clinical testing. Allele origin: germline.

PreventionGenetics, part of Exact Sciences
Classification: Likely benign for CFTR-related condition. Last evaluated: 2024-03-27. Review status: no assertion criteria provided. Collection method: clinical testing. Allele origin: germline. Not counted in ClinVar's aggregate classification.
Comment: This variant is classified as likely benign based on ACMG/AMP sequence variant interpretation guidelines (Richards et al. 2015 PMID: 25741868, with internal and published modifications).

NM_000492.4(CFTR):c.1452C>T (p.His484=)

Genes: CFTR (CF transmembrane conductance regulator; plus strand), CFTR-AS1 (CFTR antisense RNA 1; minus strand). Cytogenetic location: 7q31.2.
Variant type: single nucleotide variant.
Coding change: c.1452C>T on transcript NM_000492.4 (MANE Select); coding-DNA position 1452, C replaced by T.
Protein change: p.His484=; no amino-acid change (histidine 484 retained).
Molecular consequence: synonymous variant.
Genome position (GRCh38, 1-based): chr7:117,559,523, C>T. VCF-style: chr7-117559523-C-T. GRCh37 (hg19) VCF-style: chr7-117199577-C-T.
Identifiers: ClinVar variation 2125409 (VCV002125409.6), dbSNP rs2485065411, ClinGen allele CA457228774.
Genomic context (GRCh38, chr7:117,559,523, plus strand): 5'-GACTTCACTTCTAATGGTGATTATGGGAGAACTGGAGCCTTCAGAGGGTAAAATTAAGCA[C>T]AGTGGAAGAATTTCATTCTGTTCTCAGTTTTCCTGGATTATGCCTGGCACCATTAAAGAA-3'
Protein context (NP_000483.3, residues 474-494): ELEPSEGKIK[His484=]SGRISFCSQF